The following is an entry in ClinVar:

NM_004608.4(TBX6):c.373C>G (p.Arg125Gly)

Gene: TBX6 (T-box transcription factor 6; minus strand). Cytogenetic location: 16p11.2.
Variant type: single nucleotide variant.
Coding change: c.373C>G on transcript NM_004608.4 (MANE Select); coding-DNA position 373, C replaced by G.
Protein change: p.Arg125Gly; replaces arginine 125 with glycine.
Molecular consequence: missense variant.
Genome position (GRCh38, 1-based): chr16:30,089,191, G>C on the plus strand (C>G on the coding strand, the complement: TBX6 is on the minus strand). VCF-style: chr16-30089191-G-C. GRCh37 (hg19) VCF-style: chr16-30100512-G-C.
Other names: short protein forms R125G.
Identifiers: ClinVar variation 1005934 (VCV001005934.8), dbSNP rs994246265, ClinGen allele CA395520456.

ClinVar aggregate classification (germline): Uncertain significance (1 of 4 stars; one submission).

Submission:

Labcorp Genetics (formerly Invitae), Labcorp
Classification: Uncertain significance. Last evaluated: 2022-07-19. Review status: criteria provided, single submitter. Criteria: Invitae Variant Classification Sherloc (09022015). Collection method: clinical testing. Allele origin: germline.
Comment: This variant is not present in population databases (gnomAD no frequency). This sequence change replaces arginine, which is basic and polar, with glycine, which is neutral and non-polar, at codon 125 of the TBX6 protein (p.Arg125Gly). This variant has not been reported in the literature in individuals affected with TBX6-related conditions. In summary, the available evidence is currently insufficient to determine the role of this variant in disease. Therefore, it has been classified as a Variant of Uncertain Significance. Algorithms developed to predict the effect of missense changes on protein structure and function are either unavailable or do not agree on the potential impact of this missense change (SIFT: "Deleterious"; PolyPhen-2: "Probably Damaging"; Align-GVGD: "Class C0"). ClinVar contains an entry for this variant (Variation ID: 1005934).